The following is an entry in ClinVar:

NM_015295.3(SMCHD1):c.29G>T (p.Gly10Val)

Gene: SMCHD1 (structural maintenance of chromosomes flexible hinge domain containing 1; plus strand). Cytogenetic location: 18p11.32.
Variant type: single nucleotide variant.
Coding change: c.29G>T on transcript NM_015295.3 (MANE Select); coding-DNA position 29, G replaced by T.
Protein change: p.Gly10Val; replaces glycine 10 with valine.
Molecular consequence: missense variant.
Genome position (GRCh38, 1-based): chr18:2,656,104, G>T. VCF-style: chr18-2656104-G-T. GRCh37 (hg19) VCF-style: chr18-2656103-G-T.
Other names: c.29G>T (NM_015295.2); short protein forms G10V.
Identifiers: ClinVar variation 1476309 (VCV001476309.7), dbSNP rs920894669, ClinGen allele CA295452792.

ClinVar aggregate classification (germline): Uncertain significance. Review status: criteria provided, multiple submitters, no conflicts (2 of 4 stars). 2 submissions from 2 submitters: Uncertain significance (2). Last evaluated 2025-07-07.

Conditions:
Inborn genetic diseases. Identifiers: MedGen C0950123, MeSH D030342.
Facioscapulohumeral muscular dystrophy 2 (FSHD2). Also called: MUSCULAR DYSTROPHY, FACIOSCAPULOHUMERAL, TYPE 1B; FACIOSCAPULOHUMERAL MUSCULAR DYSTROPHY 2, DIGENIC; FSHD2, DIGENIC. Identifiers: Orphanet 269, MedGen C1834671, MONDO:0008031, OMIM 158901.

Allele frequency attached by ClinVar (database versions not stated): TOPMed 0.00003.
gnomAD v4.1: 2 of 1,428,452 alleles (0.00014%); highest among the groups gnomAD compares: Non-Finnish European, 0.00018%; no homozygotes.

Submissions (2):

Labcorp Genetics (formerly Invitae), Labcorp
Classification: Uncertain significance for Facioscapulohumeral muscular dystrophy 2. Last evaluated: 2025-07-07. Review status: criteria provided, single submitter. Criteria: Invitae Variant Classification Sherloc (09022015). Collection method: clinical testing. Allele origin: germline.
Comment: This sequence change replaces glycine, which is neutral and non-polar, with valine, which is neutral and non-polar, at codon 10 of the SMCHD1 protein (p.Gly10Val). This variant is not present in population databases (gnomAD no frequency). This variant has not been reported in the literature in individuals affected with SMCHD1-related conditions. ClinVar contains an entry for this variant (Variation ID: 1476309). Experimental studies and prediction algorithms are not available or were not evaluated, and the functional significance of this variant is currently unknown. In summary, the available evidence is currently insufficient to determine the role of this variant in disease. Therefore, it has been classified as a Variant of Uncertain Significance.

Ambry Genetics
Classification: Uncertain significance for Inborn genetic diseases. Last evaluated: 2024-05-20. Review status: criteria provided, single submitter. Criteria: Ambry Variant Classification Scheme 2023. Collection method: clinical testing. Allele origin: germline.